The following is an entry in ClinVar:

ClinVar aggregate classification (germline): Benign/Likely benign. Review status: criteria provided, multiple submitters, no conflicts (2 of 4 stars). 4 submissions from 4 submitters: Benign (2); Likely benign (2). Last evaluated 2026-09-01.

Allele frequency attached by ClinVar (database versions not stated): gnomAD exomes 0.00041 and 0.00098; ExAC 0.00120; 1000 Genomes Project 0.00220; 1000 Genomes Project 30x 0.00265; gnomAD 0.00419 and 0.00451; ESP Exome Variant Server 0.00454; TOPMed 0.00494.
gnomAD v4.1: 1,249 of 1,614,160 alleles (0.077%); highest among the groups gnomAD compares: African/African-American, 1.5%; 10 homozygotes.

Submissions (4):

CeGaT Center for Human Genetics Tuebingen
Classification: Likely benign. Last evaluated: 2026-09-01. Review status: criteria provided, single submitter. Criteria: CeGaT Center For Human Genetics Tuebingen Variant Classification Criteria Version 2. Collection method: clinical testing. Allele origin: germline. Affected: yes. Observed: 1 variant allele.
Comment: TRAP1: BP4, BP7, BS1

Labcorp Genetics (formerly Invitae), Labcorp
Classification: Benign. Last evaluated: 2026-01-27. Review status: criteria provided, single submitter. Criteria: Invitae Variant Classification Sherloc (09022015). Collection method: clinical testing. Allele origin: germline.

Blueprint Genetics
Classification: Likely benign. Last evaluated: 2024-07-19. Review status: criteria provided, single submitter. Criteria: ACMG Guidelines, 2015. Collection method: clinical testing. Allele origin: germline.

Breakthrough Genomics
Classification: Benign. Review status: criteria provided, single submitter. Criteria: ACMG Guidelines, 2015. Collection method: not provided. Allele origin: germline. Inheritance: Unknown mechanism. Affected: yes.

NM_016292.3(TRAP1):c.666A>G (p.Ala222=)

Gene: TRAP1 (TNF receptor associated protein 1; minus strand). Cytogenetic location: 16p13.3.
Variant type: single nucleotide variant.
Coding change: c.666A>G on transcript NM_016292.3 (MANE Select); coding-DNA position 666, A replaced by G.
Protein change: p.Ala222=; no amino-acid change (alanine 222 retained).
Molecular consequence: synonymous variant.
Genome position (GRCh38, 1-based): chr16:3,677,536, T>C on the plus strand (A>G on the coding strand, the complement: TRAP1 is on the minus strand). VCF-style: chr16-3677536-T-C. GRCh37 (hg19) VCF-style: chr16-3727537-T-C.
Other names: c.507A>G, p.Ala169= (NM_001272049.2).
Identifiers: ClinVar variation 719778 (VCV000719778.12), dbSNP rs150918088, ClinGen allele CA7868566.
Genomic context (GRCh38, chr16:3,677,536, plus strand): 5'-TCAGGCGACATTCGTCACTCACCCATCTGAAAGCCACTGGTAACCCAGGCTCCCCGGGGC[T>C]GCCGAGCGGGAATAGACCTCCACTCTGTCAGCCACCATGAAAGCTGAGTAGAAACCCACT-3'
Protein context (NP_057376.2, residues 212-232): ADRVEVYSRS[Ala222=]APGSLGYQWL